The following is an entry in ClinVar:

NM_022041.4(GAN):c.1381_1382delinsTT (p.Ala461Leu)

Gene: GAN (gigaxonin; plus strand). Cytogenetic location: 16q23.2.
Variant type: Indel.
Coding change: c.1381_1382delinsTT on transcript NM_022041.4 (MANE Select); coding-DNA positions 1381 to 1382, GC replaced by TT.
Protein change: p.Ala461Leu; replaces alanine 461 with leucine.
Molecular consequence: missense variant.
Genome position (GRCh38, 1-based): chr16:81,365,357-81,365,358, GC replaced by TT. VCF-style: chr16-81365357-GC-TT. GRCh37 (hg19) VCF-style: chr16-81398962-GC-TT.
Other names: c.742_743delinsTT, p.Ala248Leu (NM_001377486.1); short protein forms A461L, A248L.
Identifiers: ClinVar variation 644899 (VCV000644899.7), dbSNP rs1597407293, ClinGen allele CA915949356.

ClinVar aggregate classification (germline): Uncertain significance (1 of 4 stars; one submission).

Conditions:
Giant axonal neuropathy 1 (GAN1). Also called: GIANT AXONAL NEUROPATHY 1, AUTOSOMAL RECESSIVE; GAN-Related Neurodegeneration. Identifiers: Orphanet 643, MedGen C1850386, MONDO:0009749, OMIM 256850.

Submission:

Labcorp Genetics (formerly Invitae), Labcorp
Classification: Uncertain significance for Giant axonal neuropathy 1. Last evaluated: 2018-12-27. Review status: criteria provided, single submitter. Criteria: Invitae Variant Classification Sherloc (09022015). Collection method: clinical testing. Allele origin: germline.
Comment: In summary, the available evidence is currently insufficient to determine the role of this variant in disease. Therefore, it has been classified as a Variant of Uncertain Significance. Algorithms developed to predict the effect of missense changes on protein structure and function are either unavailable or do not agree on the potential impact of this missense change (SIFT: "Deleterious"; PolyPhen-2: "Possibly Damaging"; Align-GVGD: "Class C0"). This variant has not been reported in the literature in individuals with GAN-related conditions. This variant is not present in population databases (ExAC no frequency). This sequence change replaces alanine with leucine at codon 461 of the GAN protein (p.Ala461Leu). The alanine residue is highly conserved and there is a moderate physicochemical difference between alanine and leucine.